The following is an entry in ClinVar:

NM_177438.3(DICER1):c.2723G>A (p.Gly908Asp)

Gene: DICER1 (dicer 1, ribonuclease III; minus strand). Cytogenetic location: 14q32.13.
Variant type: single nucleotide variant.
Coding change: c.2723G>A on transcript NM_177438.3 (MANE Select); coding-DNA position 2723, G replaced by A.
Protein change: p.Gly908Asp; replaces glycine 908 with aspartic acid.
Molecular consequence: missense variant.
Genome position (GRCh38, 1-based): chr14:95,107,689, C>T on the plus strand (G>A on the coding strand, the complement: DICER1 is on the minus strand). VCF-style: chr14-95107689-C-T. GRCh37 (hg19) VCF-style: chr14-95574026-C-T.
Other names: c.2723G>A, p.Gly908Asp (NM_001195573.1, NM_001271282.3, NM_001291628.2 and 1 more transcripts); short protein forms G908D.
Identifiers: ClinVar variation 937006 (VCV000937006.11), dbSNP rs1891561708, ClinGen allele CA390879581.

ClinVar aggregate classification (germline): Uncertain significance (1 of 4 stars; one submission).

Conditions:
DICER1-related tumor predisposition. Also called: DICER1 syndrome; DICER1-related pleuropulmonary blastoma cancer predisposition syndrome. Identifiers: Orphanet 284343, MedGen C3839822, MONDO:0100216.

Submission:

Labcorp Genetics (formerly Invitae), Labcorp
Classification: Uncertain significance for DICER1-related tumor predisposition. Last evaluated: 2019-09-26. Review status: criteria provided, single submitter. Criteria: Invitae Variant Classification Sherloc (09022015). Collection method: clinical testing. Allele origin: germline.
Comment: This variant has not been reported in the literature in individuals with DICER1-related conditions. This variant is not present in population databases (ExAC no frequency). This sequence change replaces glycine with aspartic acid at codon 908 of the DICER1 protein (p.Gly908Asp). The glycine residue is highly conserved and there is a moderate physicochemical difference between glycine and aspartic acid. Algorithms developed to predict the effect of missense changes on protein structure and function are either unavailable or do not agree on the potential impact of this missense change (SIFT: "Tolerated"; PolyPhen-2: "Probably Damaging"; Align-GVGD: "Class C0"). In summary, the available evidence is currently insufficient to determine the role of this variant in disease. Therefore, it has been classified as a Variant of Uncertain Significance.